The following is an entry in ClinVar:

ClinVar aggregate classification (germline): Conflicting classifications of pathogenicity. Review status: criteria provided, conflicting classifications (1 of 4 stars). 7 submissions from 7 submitters: Uncertain significance (5); Likely benign (2). Last evaluated 2025-07-22.

Conditions:
Cardiovascular phenotype. Identifiers: MedGen CN230736.
Autosomal recessive limb-girdle muscular dystrophy type 2J (LGMDR10). Also called: Limb-girdle muscular dystrophy, type 2J; MUSCULAR DYSTROPHY, LIMB-GIRDLE, AUTOSOMAL RECESSIVE 10. Identifiers: Orphanet 140922, MedGen C1837342, MONDO:0012127, OMIM 608807.
Dilated cardiomyopathy 1G (CMD1G). Identifiers: Orphanet 154, MedGen C1858763, MONDO:0011400, OMIM 604145.
TTN-related disorder. Also called: TTN-related condition; TTN-related disease; TTN-related disorders.

Allele frequency attached by ClinVar (database versions not stated): gnomAD exomes 0.00001 and 0.00003; ExAC 0.00002; gnomAD 0.00003 and 0.00004; TOPMed 0.00004; ESP Exome Variant Server 0.00008; 1000 Genomes Project 30x 0.00031; 1000 Genomes Project 0.00040.
gnomAD v4.1: 35 of 1,613,838 alleles (0.0022%); highest among the groups gnomAD compares: East Asian, 0.016%; no homozygotes.

Submissions (7):

PreventionGenetics, part of Exact Sciences
Classification: Uncertain significance for TTN-related condition. Last evaluated: 2025-07-22. Review status: criteria provided, single submitter. Criteria: ACMG Guidelines, 2015. Collection method: clinical testing. Allele origin: germline.
Comment: The TTN c.93107T>C variant is predicted to result in the amino acid substitution p.Met31036Thr. This variant has been reported in an individual with dilated cardiomyopathy (Table S3, Mazzarotto et al. 2020. PubMed ID: 31983221). This variant is reported in 0.017% of alleles in individuals of East Asian descent in gnomAD. At this time, the clinical significance of this variant is uncertain due to the absence of conclusive functional and genetic evidence.

Revvity Omics, Revvity
Classification: Uncertain significance. Last evaluated: 2023-11-07. Review status: criteria provided, single submitter. Criteria: ACMG Guidelines, 2015. Collection method: clinical testing. Allele origin: germline.

Blueprint Genetics
Classification: Likely benign. Last evaluated: 2023-09-26. Review status: criteria provided, single submitter. Criteria: ACMG Guidelines, 2015. Collection method: clinical testing. Allele origin: germline.

Ambry Genetics
Classification: Uncertain significance for Cardiovascular phenotype. Last evaluated: 2019-04-29. Review status: criteria provided, single submitter. Criteria: Ambry Variant Classification Scheme 2023. Collection method: clinical testing. Allele origin: germline.
Comment: The p.M21971T variant (also known as c.65912T>C), located in coding exon 166 of the TTN gene, results from a T to C substitution at nucleotide position 65912. The methionine at codon 21971 is replaced by threonine, an amino acid with similar properties. This amino acid position is well conserved in available vertebrate species; however, threonine is the reference amino acid in other vertebrate species. In addition, this alteration is predicted to be tolerated by in silico analysis. Since supporting evidence is limited at this time, the clinical significance of this alteration remains unclear.

GeneDx
Classification: Likely benign. Last evaluated: 2019-02-26. Review status: criteria provided, single submitter. Criteria: GeneDx Variant Classification Process June 2021. Collection method: clinical testing. Allele origin: germline. Affected: yes.
Comment: See Variant Classification Assertion Criteria.

Labcorp Genetics (formerly Invitae), Labcorp
Classification: Uncertain significance for Dilated cardiomyopathy 1G; Autosomal recessive limb-girdle muscular dystrophy type 2J. Last evaluated: 2017-12-04. Review status: criteria provided, single submitter. Criteria: Invitae Variant Classification Sherloc (09022015). Collection method: clinical testing. Allele origin: germline.

Laboratory for Molecular Medicine, Mass General Brigham Personalized Medicine
Classification: Uncertain significance. Last evaluated: 2016-04-14. Review status: criteria provided, single submitter. Criteria: LMM Criteria. Collection method: clinical testing. Allele origin: germline. Observed: 1 variant allele.
Comment: The p.Met28468Thr variant in TTN has not been previously reported in individuals with cardiomyopathy, but has been identified in 2/8620 East Asian chromosomes b y the Exome Aggregation Consortium (ExAC; dbSNP rs376942948). Computational prediction tools and conservation analysis do not pr ovide strong support for or against an impact to the protein. In summary, the cl inical significance of the p.Met28468Thr variant is uncertain.

NM_001267550.2(TTN):c.93107T>C (p.Met31036Thr)

Genes: TTN (titin; minus strand), TTN-AS1 (TTN antisense RNA 1; plus strand). Cytogenetic location: 2q31.2.
Variant type: single nucleotide variant.
Coding change: c.93107T>C on transcript NM_001267550.2 (MANE Select); coding-DNA position 93107, T replaced by C.
Protein change: p.Met31036Thr; replaces methionine 31036 with threonine.
Molecular consequence: missense variant.
Genome position (GRCh38, 1-based): chr2:178,548,519, A>G on the plus strand (T>C on the coding strand, the complement: TTN is on the minus strand). VCF-style: chr2-178548519-A-G. GRCh37 (hg19) VCF-style: chr2-179413246-A-G.
Other names: c.85403T>C, p.Met28468Thr (NM_133378.4); c.88184T>C, p.Met29395Thr (NM_001256850.1); c.65912T>C, p.Met21971Thr (NM_003319.4); c.66287T>C, p.Met22096Thr (NM_133432.3); c.66488T>C, p.Met22163Thr (NM_133437.4); c.93107T>C (NM_001267550.1); short protein forms M28468T, M31036T, M22163T, M22096T, M29395T, M21971T.
Identifiers: ClinVar variation 504537 (VCV000504537.15), dbSNP rs376942948, ClinGen allele CA1987355.